The following is an entry in ClinVar:

NM_138576.4(BCL11B):c.2349C>G (p.Gly783=)

Gene: BCL11B (BCL11 transcription factor B; minus strand). Cytogenetic location: 14q32.2.
Variant type: single nucleotide variant.
Coding change: c.2349C>G on transcript NM_138576.4 (MANE Select); coding-DNA position 2349, C replaced by G.
Protein change: p.Gly783=; no amino-acid change (glycine 783 retained).
Molecular consequence: synonymous variant.
Genome position (GRCh38, 1-based): chr14:99,174,487, G>C on the plus strand (C>G on the coding strand, the complement: BCL11B is on the minus strand). VCF-style: chr14-99174487-G-C. GRCh37 (hg19) VCF-style: chr14-99640824-G-C.
Other names: c.2346C>G, p.Gly782= (NM_001282237.2); c.2133C>G, p.Gly711= (NM_001282238.2); c.2136C>G, p.Gly712= (NM_022898.3); c.2136C>G (NM_022898.2).
Identifiers: ClinVar variation 1535801 (VCV001535801.32), dbSNP rs1152782, ClinGen allele CA266104802.

ClinVar aggregate classification (germline): Likely benign. Review status: criteria provided, multiple submitters, no conflicts (2 of 4 stars). 3 submissions from 3 submitters: Likely benign (2). 1 of the submissions does not count toward it. Last evaluated 2026-03-01.

Conditions:
BCL11B-related disorder. Also called: BCL11B-Related Disorders.

gnomAD v4.1: 4 of 1,560,124 alleles (0.00026%); highest among the groups gnomAD compares: Non-Finnish European, 0.00035%; no homozygotes.

Submissions (3):

CeGaT Center for Human Genetics Tuebingen
Classification: Likely benign. Last evaluated: 2026-03-01. Review status: criteria provided, single submitter. Criteria: CeGaT Center For Human Genetics Tuebingen Variant Classification Criteria Version 2. Collection method: clinical testing. Allele origin: germline. Affected: yes. Observed: 3 variant alleles.
Comment: BCL11B: BP4, BP7

Labcorp Genetics (formerly Invitae), Labcorp
Classification: Likely benign. Last evaluated: 2025-05-14. Review status: criteria provided, single submitter. Criteria: Invitae Variant Classification Sherloc (09022015). Collection method: clinical testing. Allele origin: germline.

PreventionGenetics, part of Exact Sciences
Classification: Likely benign for BCL11B-related condition. Last evaluated: 2020-01-24. Review status: no assertion criteria provided. Collection method: clinical testing. Allele origin: germline. Not counted in ClinVar's aggregate classification.
Comment: This variant is classified as likely benign based on ACMG/AMP sequence variant interpretation guidelines (Richards et al. 2015 PMID: 25741868, with internal and published modifications).